The following is an entry in ClinVar:

ClinVar aggregate classification (germline): Uncertain significance. Review status: criteria provided, multiple submitters, no conflicts (2 of 4 stars). 2 submissions from 2 submitters: Uncertain significance (2). Last evaluated 2025-04-28.

Allele frequency attached by ClinVar (database versions not stated): gnomAD exomes 0.00004; gnomAD 0.00003; TOPMed 0.00003.

Submissions (2):

Labcorp Genetics (formerly Invitae), Labcorp
Classification: Uncertain significance. Last evaluated: 2025-04-28. Review status: criteria provided, single submitter. Criteria: Invitae Variant Classification Sherloc (09022015). Collection method: clinical testing. Allele origin: germline.
Comment: This sequence change replaces isoleucine, which is neutral and non-polar, with valine, which is neutral and non-polar, at codon 121 of the TOP2B protein (p.Ile121Val). This variant is present in population databases (rs767342178, gnomAD 0.01%). This variant has not been reported in the literature in individuals affected with TOP2B-related conditions. ClinVar contains an entry for this variant (Variation ID: 2523123). An algorithm developed to predict the effect of missense changes on protein structure and function (PolyPhen-2) suggests that this variant is likely to be disruptive. In summary, the available evidence is currently insufficient to determine the role of this variant in disease. Therefore, it has been classified as a Variant of Uncertain Significance.

Ambry Genetics
Classification: Uncertain significance. Last evaluated: 2023-04-24. Review status: criteria provided, single submitter. Criteria: Ambry Variant Classification Scheme 2023. Collection method: clinical testing. Allele origin: germline.

NM_001330700.2(TOP2B):c.376A>G (p.Ile126Val)

Gene: TOP2B (DNA topoisomerase II beta; minus strand). Cytogenetic location: 3p24.2.
Variant type: single nucleotide variant.
Coding change: c.376A>G on transcript NM_001330700.2 (MANE Select); coding-DNA position 376, A replaced by G.
Protein change: p.Ile126Val; replaces isoleucine 126 with valine.
Molecular consequence: missense variant.
Genome position (GRCh38, 1-based): chr3:25,642,341, T>C on the plus strand (A>G on the coding strand, the complement: TOP2B is on the minus strand). VCF-style: chr3-25642341-T-C. GRCh37 (hg19) VCF-style: chr3-25683832-T-C.
Other names: c.361A>G, p.Ile121Val (NM_001068.3); short protein forms I126V, I121V.
Identifiers: ClinVar variation 2523123 (VCV002523123.5), dbSNP rs767342178, ClinGen allele CA2288916.